The following is an entry in ClinVar:

ClinVar aggregate classification (germline): Pathogenic. Review status: criteria provided, multiple submitters, no conflicts (2 of 4 stars). 3 submissions from 3 submitters: Pathogenic (3). Last evaluated 2026-04-01.

Conditions:
Familial adenomatous polyposis 4 (FAP4). Also called: MSH3-related attenuated familial adenomatous polyposis. Identifiers: Orphanet 480536, MedGen C4310719, MONDO:0044300, OMIM 617100.
Hereditary cancer-predisposing syndrome. Also called: Hereditary neoplastic syndrome; Neoplastic Syndromes, Hereditary; Tumor predisposition; Hereditary Cancer Syndrome. Identifiers: Orphanet 140162, MedGen C0027672, MeSH D009386, MONDO:0015356.

Allele frequency attached by ClinVar (database versions not stated): gnomAD exomes 0.00001.
gnomAD v4.1: 6 of 1,611,702 alleles (0.00037%); highest among the groups gnomAD compares: Non-Finnish European, 0.00051%; no homozygotes.

Submissions (3):

Ambry Genetics
Classification: Pathogenic for Hereditary cancer-predisposing syndrome. Last evaluated: 2026-04-01. Review status: criteria provided, single submitter. Criteria: Ambry Variant Classification Scheme 2023. Collection method: clinical testing. Allele origin: germline.
Comment: The p.Q798* pathogenic mutation (also known as c.2392C>T), located in coding exon 17 of the MSH3 gene, results from a C to T substitution at nucleotide position 2392. This changes the amino acid from a glutamine to a stop codon within coding exon 17. This variant is considered to be rare based on population cohorts in the Genome Aggregation Database (gnomAD). This alteration is expected to result in loss of function by premature protein truncation or nonsense-mediated mRNA decay. As such, this alteration is interpreted as a disease-causing mutation.

Labcorp Genetics (formerly Invitae), Labcorp
Classification: Pathogenic. Last evaluated: 2025-11-05. Review status: criteria provided, single submitter. Criteria: Invitae Variant Classification Sherloc (09022015). Collection method: clinical testing. Allele origin: germline.
Comment: This sequence change creates a premature translational stop signal (p.Gln798*) in the MSH3 gene. It is expected to result in an absent or disrupted protein product. Loss-of-function variants in MSH3 are known to be pathogenic (PMID: 27476653, 37402566). This variant is not present in population databases (gnomAD no frequency). This variant has not been reported in the literature in individuals affected with MSH3-related conditions. ClinVar contains an entry for this variant (Variation ID: 1074977). Studies have shown that this premature translational stop signal is associated with inconclusive levels of altered splicing (internal data). For these reasons, this variant has been classified as Pathogenic.

Myriad Genetics, Inc.
Classification: Pathogenic for Familial adenomatous polyposis 4. Last evaluated: 2023-08-30. Review status: criteria provided, single submitter. Criteria: Myriad Autosomal Dominant, Autosomal Recessive and X-Linked Classification Criteria (2023). Collection method: clinical testing. Allele origin: unknown.
Comment: This variant is considered pathogenic. This variant creates a termination codon and is predicted to result in premature protein truncation.

Literature cited by the submitters: PubMed 27476653 (cited by Labcorp Genetics (formerly Invitae), Labcorp); PubMed 37402566 (cited by Labcorp Genetics (formerly Invitae), Labcorp).

NM_002439.5(MSH3):c.2392C>T (p.Gln798Ter)

Gene: MSH3 (mutS homolog 3; plus strand). Cytogenetic location: 5q14.1.
Variant type: single nucleotide variant.
Coding change: c.2392C>T on transcript NM_002439.5 (MANE Select); coding-DNA position 2392, C replaced by T.
Protein change: p.Gln798Ter; replaces glutamine 798 with a stop codon.
Molecular consequence: nonsense.
Genome position (GRCh38, 1-based): chr5:80,778,793, C>T. VCF-style: chr5-80778793-C-T. GRCh37 (hg19) VCF-style: chr5-80074612-C-T.
Other names: c.2392C>T (NM_002439.3); short protein forms Q798*.
Identifiers: ClinVar variation 1074977 (VCV001074977.9), dbSNP rs2112007877, ClinGen allele CA360281848.